The following is an entry in ClinVar:

ClinVar aggregate classification (germline): Pathogenic (1 of 4 stars; one submission).

Conditions:
Rhizomelic chondrodysplasia punctata (RCDP). Identifiers: Orphanet 177, MedGen C0282529, MONDO:0015776. Disease mechanism: loss of function.

Submission:

Natera, Inc.
Classification: Pathogenic for Rhizomelic Chondrodysplasia Punctata. Last evaluated: 2026-01-13. Review status: criteria provided, single submitter. Criteria: Natera Variant Classification Schema (03/2026). Collection method: clinical testing. Allele origin: germline.
Comment: The c.901_903+3delinsAG variant in PEX7 is a deletion-insertion (delins) variant predicted to replace one or more nucleotides with a different sequence. This variant is expected to result in nonsense mediated decay, truncation, or a dysfunctional protein product. This variant is rare in the general population with a frequency below the threshold expected for the associated phenotype(s). Another variant at this same site results in an alteration predicted to cause a similar molecular effect has been observed in individual(s) with the associated phenotype. Given the available evidence, this variant is classified as Pathogenic.

NM_000288.4(PEX7):c.901_903+3delinsAG

Gene: PEX7 (peroxisomal biogenesis factor 7; plus strand). Cytogenetic location: 6q23.3.
Variant type: Indel.
Coding change: c.901_903+3delinsAG on transcript NM_000288.4 (MANE Select); coding-DNA position 901 through 3 bases into the intron after coding-DNA position 903, CAGGTA replaced by AG.
Molecular consequence: splice donor variant.
Genome position (GRCh38, 1-based): chr6:136,898,239-136,898,244, CAGGTA replaced by AG. VCF-style: chr6-136898239-CAGGTA-AG. GRCh37 (hg19) VCF-style: chr6-137219377-CAGGTA-AG.
Other names: c.787_789+3delinsAG (NM_001410945.1).
Identifiers: ClinVar variation 4818134 (VCV004818134.1).